The following is an entry in ClinVar:

NM_138393.4(REEP6):c.195C>G (p.Tyr65Ter)

Gene: REEP6 (receptor accessory protein 6; plus strand). Cytogenetic location: 19p13.3.
Variant type: single nucleotide variant.
Coding change: c.195C>G on transcript NM_138393.4 (MANE Select); coding-DNA position 195, C replaced by G.
Protein change: p.Tyr65Ter; replaces tyrosine 65 with a stop codon.
Molecular consequence: nonsense.
Genome position (GRCh38, 1-based): chr19:1,495,373, C>G. VCF-style: chr19-1495373-C-G. GRCh37 (hg19) VCF-style: chr19-1495372-C-G.
Other names: c.195C>G, p.Tyr65Ter (NM_001329556.3); short protein forms Y65*.
Identifiers: ClinVar variation 2036257 (VCV002036257.4), dbSNP rs1455826354, ClinGen allele CA403056519.

ClinVar aggregate classification (germline): Pathogenic (1 of 4 stars; one submission).

Submission:

Labcorp Genetics (formerly Invitae), Labcorp
Classification: Pathogenic. Last evaluated: 2022-10-20. Review status: criteria provided, single submitter. Criteria: Invitae Variant Classification Sherloc (09022015). Collection method: clinical testing. Allele origin: germline.
Comment: For these reasons, this variant has been classified as Pathogenic. This variant has not been reported in the literature in individuals affected with REEP6-related conditions. This variant is not present in population databases (gnomAD no frequency). This sequence change creates a premature translational stop signal (p.Tyr65*) in the REEP6 gene. It is expected to result in an absent or disrupted protein product. Loss-of-function variants in REEP6 are known to be pathogenic (PMID: 27889058, 29120066).

Literature cited by the submitters: PubMed 27889058; PubMed 29120066.